The following is an entry in ClinVar:

NM_006073.4(TRDN):c.1597+5C>A

Gene: TRDN (triadin; minus strand). Cytogenetic location: 6q22.31.
Variant type: single nucleotide variant.
Coding change: c.1597+5C>A on transcript NM_006073.4 (MANE Select); 5 bases into the intron after coding-DNA position 1597, C replaced by A.
Molecular consequence: intron variant.
Genome position (GRCh38, 1-based): chr6:123,274,636, G>T on the plus strand (C>A on the coding strand, the complement: TRDN is on the minus strand). VCF-style: chr6-123274636-G-T. GRCh37 (hg19) VCF-style: chr6-123595781-G-T.
Identifiers: ClinVar variation 3973125 (VCV003973125.1).

ClinVar aggregate classification (germline): Uncertain significance (1 of 4 stars; one submission).

Conditions:
Cardiovascular phenotype. Identifiers: MedGen CN230736.

gnomAD v4.1: 1 of 1,607,220 alleles (0.000062%); highest among the groups gnomAD compares: Admixed American, 0.0017%; no homozygotes.

Submission:

Ambry Genetics
Classification: Uncertain significance for Cardiovascular phenotype. Last evaluated: 2025-06-13. Review status: criteria provided, single submitter. Criteria: Ambry Variant Classification Scheme 2023. Collection method: clinical testing. Allele origin: germline.
Comment: The c.1597+5C>A intronic variant results from a C to A substitution 5 nucleotides after coding exon 27 in the TRDN gene. This nucleotide position is not well conserved in available vertebrate species. In silico splice site analysis predicts that this alteration will not have any significant effect on splicing. Based on the available evidence, the clinical significance of this variant remains unclear.